The following is an entry in ClinVar:

ClinVar aggregate classification (germline): Uncertain significance. Review status: criteria provided, multiple submitters, no conflicts (2 of 4 stars). 2 submissions from 2 submitters: Uncertain significance (2). Last evaluated 2025-04-12.

Conditions:
Hyperaldosteronism, familial, type IV (HALD4). Also called: FH IV; ALDOSTERONISM, PRIMARY, AND HYPERTENSION. Identifiers: Orphanet 642671, MedGen C4310756, MONDO:0014875, OMIM 617027.
Idiopathic generalized epilepsy. Also called: Generalised epilepsy; EIG. Identifiers: MedGen C0270850, MONDO:0005579, OMIM 600669.

Submissions (2):

GeneDx
Classification: Uncertain significance. Last evaluated: 2025-04-12. Review status: criteria provided, single submitter. Criteria: GeneDx Variant Classification Process June 2021. Collection method: clinical testing. Allele origin: germline. Affected: yes.
Comment: Not observed at significant frequency in large population cohorts (gnomAD); In silico analysis supports that this missense variant has a deleterious effect on protein structure/function; Has not been previously published as pathogenic or benign to our knowledge

Labcorp Genetics (formerly Invitae), Labcorp
Classification: Uncertain significance for Idiopathic generalized epilepsy; Hyperaldosteronism, familial, type IV. Last evaluated: 2024-10-23. Review status: criteria provided, single submitter. Criteria: Invitae Variant Classification Sherloc (09022015). Collection method: clinical testing. Allele origin: germline.
Comment: This sequence change replaces leucine, which is neutral and non-polar, with phenylalanine, which is neutral and non-polar, at codon 1649 of the CACNA1H protein (p.Leu1649Phe). This variant is not present in population databases (gnomAD no frequency). This variant has not been reported in the literature in individuals affected with CACNA1H-related conditions. ClinVar contains an entry for this variant (Variation ID: 1050971). Invitae Evidence Modeling of protein sequence and biophysical properties (such as structural, functional, and spatial information, amino acid conservation, physicochemical variation, residue mobility, and thermodynamic stability) indicates that this missense variant is expected to disrupt CACNA1H protein function with a positive predictive value of 80%. In summary, the available evidence is currently insufficient to determine the role of this variant in disease. Therefore, it has been classified as a Variant of Uncertain Significance.

NM_021098.3(CACNA1H):c.4945C>T (p.Leu1649Phe)

Gene: CACNA1H (calcium voltage-gated channel subunit alpha1 H; plus strand). Cytogenetic location: 16p13.3.
Variant type: single nucleotide variant.
Coding change: c.4945C>T on transcript NM_021098.3 (MANE Select); coding-DNA position 4945, C replaced by T.
Protein change: p.Leu1649Phe; replaces leucine 1649 with phenylalanine.
Molecular consequence: missense variant.
Genome position (GRCh38, 1-based): chr16:1,214,987, C>T. VCF-style: chr16-1214987-C-T. GRCh37 (hg19) VCF-style: chr16-1264987-C-T.
Other names: c.4927C>T, p.Leu1643Phe (NM_001005407.2); c.4945C>T (NM_021098.2); short protein forms L1643F, L1649F.
Identifiers: ClinVar variation 1050971 (VCV001050971.10), dbSNP rs1969888724, ClinGen allele CA394146090.
Genomic context (GRCh38, chr16:1,214,987, plus strand): 5'-GGTGGCCCCAGCCCCACCTCAGCCAGCCCGACCCTCCACCCCCAGTCGCTGGACGAGGCC[C>T]TCAAGTACTGCAACTACGTCTTCACCATCGTGTTTGTCTTCGAGGCTGCACTGAAGCTGG-3'
Protein context (NP_066921.2, residues 1639-1659): YNQPKSLDEA[Leu1649Phe]KYCNYVFTIV